The following is an entry in ClinVar:

NM_006218.4(PIK3CA):c.1523A>G (p.Tyr508Cys)

Gene: PIK3CA (phosphatidylinositol-4,5-bisphosphate 3-kinase catalytic subunit alpha; plus strand). Cytogenetic location: 3q26.32.
Variant type: single nucleotide variant.
Coding change: c.1523A>G on transcript NM_006218.4 (MANE Select); coding-DNA position 1523, A replaced by G.
Protein change: p.Tyr508Cys; replaces tyrosine 508 with cysteine.
Molecular consequence: missense variant.
Genome position (GRCh38, 1-based): chr3:179,210,549, A>G. VCF-style: chr3-179210549-A-G. GRCh37 (hg19) VCF-style: chr3-178928337-A-G.
Other names: short protein forms Y508C.
Identifiers: ClinVar variation 1774472 (VCV001774472.2), dbSNP rs369950390, ClinGen allele CA2710737.

ClinVar aggregate classification (germline): Uncertain significance (1 of 4 stars; one submission).

Conditions:
Inborn genetic diseases. Identifiers: MedGen C0950123, MeSH D030342.

Allele frequency attached by ClinVar (database versions not stated): gnomAD exomes 0.00001; ESP Exome Variant Server 0.00017; ExAC 0.00002; gnomAD 0.00002; TOPMed 0.00002.

Submission:

Ambry Genetics
Classification: Uncertain significance for Inborn genetic diseases. Last evaluated: 2022-06-03. Review status: criteria provided, single submitter. Criteria: Ambry Variant Classification Scheme 2023. Collection method: clinical testing. Allele origin: germline.
Comment: The p.Y508C variant (also known as c.1523A>G), located in coding exon 8 of the PIK3CA gene, results from an A to G substitution at nucleotide position 1523. The tyrosine at codon 508 is replaced by cysteine, an amino acid with highly dissimilar properties. This amino acid position is conserved. In addition, this alteration is predicted to be deleterious by in silico analysis. Since supporting evidence is limited at this time, the clinical significance of this alteration remains unclear.